The following is an entry in ClinVar:

ClinVar aggregate classification (germline): Uncertain significance (1 of 4 stars; one submission).

Conditions:
Familial hemophagocytic lymphohistiocytosis 3 (FHL3). Also called: UNC13D-Related Familial Hemophagocytic Lymphohistiocytosis (UNC13D-fHLH). Identifiers: Orphanet 540, MedGen C1837174, MONDO:0012146, OMIM 608898.

Allele frequency attached by ClinVar (database versions not stated): gnomAD exomes 0.00003.
gnomAD v4.1: 15 of 1,604,110 alleles (0.00094%); highest among the groups gnomAD compares: Middle Eastern, 0.27%; 1 homozygote.

Submission:

Labcorp Genetics (formerly Invitae), Labcorp
Classification: Uncertain significance for Hemophagocytic lymphohistiocytosis, familial, 3. Last evaluated: 2019-02-07. Review status: criteria provided, single submitter. Criteria: Invitae Variant Classification Sherloc (09022015). Collection method: clinical testing. Allele origin: germline.
Comment: This sequence change replaces alanine with proline at codon 790 of the UNC13D protein (p.Ala790Pro). The alanine residue is moderately conserved and there is a small physicochemical difference between alanine and proline. This variant is not present in population databases (ExAC no frequency). This variant has not been reported in the literature in individuals with UNC13D-related conditions. Algorithms developed to predict the effect of missense changes on protein structure and function are either unavailable or do not agree on the potential impact of this missense change (SIFT: "Tolerated"; PolyPhen-2: "Probably Damaging"; Align-GVGD: "Class C0"). Algorithms developed to predict the effect of sequence changes on RNA splicing suggest that this variant may disrupt the consensus splice site, but this prediction has not been confirmed by published transcriptional studies. In summary, the available evidence is currently insufficient to determine the role of this variant in disease. Therefore, it has been classified as a Variant of Uncertain Significance.

NM_199242.3(UNC13D):c.2368G>C (p.Ala790Pro)

Gene: UNC13D (unc-13 homolog D; minus strand). Cytogenetic location: 17q25.1.
Variant type: single nucleotide variant.
Coding change: c.2368G>C on transcript NM_199242.3 (MANE Select); coding-DNA position 2368, G replaced by C.
Protein change: p.Ala790Pro; replaces alanine 790 with proline.
Molecular consequence: missense variant.
Genome position (GRCh38, 1-based): chr17:75,833,045, C>G on the plus strand (G>C on the coding strand, the complement: UNC13D is on the minus strand). VCF-style: chr17-75833045-C-G. GRCh37 (hg19) VCF-style: chr17-73829126-C-G.
Other names: short protein forms A790P.
Identifiers: ClinVar variation 863021 (VCV000863021.1), dbSNP rs865794224, ClinGen allele CA294085958.